The following is an entry in ClinVar:

NM_006941.4(SOX10):c.576del (p.Glu194fs)

Genes: POLR2F (RNA polymerase II, I and III subunit F; plus strand), SOX10 (SRY-box transcription factor 10; minus strand). Cytogenetic location: 22q13.1.
Variant type: Deletion.
Coding change: c.576del on transcript NM_006941.4 (MANE Select); coding-DNA position 576, one base deleted (T; older notation c.576delT).
Protein change: p.Glu194fs; shifts the reading frame from glutamic acid 194.
Molecular consequence: frameshift variant. On other transcripts: intron variant (3).
Genome position (GRCh38, 1-based): chr22:37,977,988, A deleted on the plus strand (T on the coding strand, the reverse complement: SOX10 is on the minus strand). VCF-style (leftmost placement, unchanged base first): chr22-37977987-CA-C. GRCh37 (hg19) VCF-style: chr22-38373994-CA-C.
Other names: c.*38+5678del (NM_001363825.1); c.294-8166del (NM_001301130.2); c.293+10818del (NM_001301131.2); short protein forms E194fs.
Identifiers: ClinVar variation 2584980 (VCV002584980.1), dbSNP rs2518046699, ClinGen allele CA2582342823.

ClinVar aggregate classification (germline): Uncertain significance (1 of 4 stars; one submission).

Conditions:
Waardenburg syndrome type 4C (WS4C). Also called: WAARDENBURG SYNDROME WITH HIRSCHSPRUNG DISEASE, TYPE 4C. Identifiers: Orphanet 897, MedGen C2750452, MONDO:0013202, OMIM 613266.

Submission:

Neuberg Centre For Genomic Medicine, NCGM
Classification: Uncertain significance for Waardenburg syndrome type 4C. Review status: criteria provided, single submitter. Criteria: ACMG Guidelines, 2015. Collection method: clinical testing. Allele origin: germline. Inheritance: Autosomal dominant inheritance. Affected: yes.
Comment: The c.576del (p.Glu194ArgfsTer92) frameshift variant in SOX10 gene has not been reported previously as a pathogenic variant nor as a benign variant, to our knowledge. The p.Glu194ArgfsTer92 variant is novel (not in any individuals) in gnomAD Exomes and 1000 Genomes. This variant causes a frameshift starting with codon Glutamic Acid 194, changes this amino acid to Arginine residue, and creates a premature Stop codon at position 92 of the new reading frame, denoted p.Glu194ArgfsTer92. Loss of function variants have been previously reported to be disease causing. However since this variant is present in the penultimate exon functional studies will be required to prove protein truncation. For these reasons, this variant has been classified as Variant of Uncertain Significance (VUS).